The following is an entry in ClinVar:

NM_134261.3(RORA):c.196+51381G>A

Genes: RORA (RAR related orphan receptor A; minus strand), RORA-AS1 (RORA antisense RNA 1; plus strand). Cytogenetic location: 15q22.2.
Variant type: single nucleotide variant.
Coding change: c.196+51381G>A on transcript NM_134261.3 (MANE Select); 51381 bases into the intron after coding-DNA position 196, G replaced by A.
Molecular consequence: intron variant. On other transcripts: missense variant (2).
Genome position (GRCh38, 1-based): chr15:60,627,276, C>T on the plus strand (G>A on the coding strand, the complement: RORA is on the minus strand). VCF-style: chr15-60627276-C-T. GRCh37 (hg19) VCF-style: chr15-60919475-C-T.
Other names: c.99G>A, p.Met33Ile (NM_002943.4, NM_134260.3); short protein forms M33I.
Identifiers: ClinVar variation 4996407 (VCV004996407.1).

ClinVar aggregate classification (germline): Uncertain significance (1 of 4 stars; one submission).

Conditions:
RORA-related disorder. Also called: RORA-related condition.

Submission:

PreventionGenetics, part of Exact Sciences
Classification: Uncertain significance for RORA-related condition. Last evaluated: 2026-05-31. Review status: criteria provided, single submitter. Criteria: ACMG Guidelines, 2015. Collection method: clinical testing. Allele origin: germline.
Comment: The RORA c.99G>A variant is predicted to result in the amino acid substitution p.Met33Ile. To our knowledge, this variant has not been reported in the literature or in a large population database (gnomAD), indicating this variant is rare. At this time, the clinical significance of this variant is uncertain due to the absence of conclusive functional and genetic evidence.